The following is an entry in ClinVar:

ClinVar aggregate classification (germline): Uncertain significance. Review status: criteria provided, multiple submitters, no conflicts (2 of 4 stars). 2 submissions from 2 submitters: Uncertain significance (2). Last evaluated 2025-04-17.

Conditions:
Inborn genetic diseases. Identifiers: MedGen C0950123, MeSH D030342.

Allele frequency attached by ClinVar (database versions not stated): gnomAD exomes 0.00001; gnomAD 0.00032; TOPMed 0.00045.
gnomAD v4.1: 67 of 1,612,592 alleles (0.0042%); highest among the groups gnomAD compares: Admixed American, 0.11%; no homozygotes.

Submissions (2):

Ambry Genetics
Classification: Uncertain significance for Inborn genetic diseases. Last evaluated: 2025-04-17. Review status: criteria provided, single submitter. Criteria: Ambry Variant Classification Scheme 2023. Collection method: clinical testing. Allele origin: germline.

GeneDx
Classification: Uncertain significance. Last evaluated: 2024-07-10. Review status: criteria provided, single submitter. Criteria: GeneDx Variant Classification Process June 2021. Collection method: clinical testing. Allele origin: germline. Affected: yes.
Comment: In silico analysis indicates that this missense variant does not alter protein structure/function; Has not been previously published as pathogenic or benign to our knowledge

NM_001256864.2(DNAJC6):c.2122G>A (p.Gly708Arg)

Gene: DNAJC6 (DnaJ heat shock protein family (Hsp40) member C6; plus strand). Cytogenetic location: 1p31.3.
Variant type: single nucleotide variant.
Coding change: c.2122G>A on transcript NM_001256864.2 (MANE Select); coding-DNA position 2122, G replaced by A.
Protein change: p.Gly708Arg; replaces glycine 708 with arginine.
Molecular consequence: missense variant.
Genome position (GRCh38, 1-based): chr1:65,401,775, G>A. VCF-style: chr1-65401775-G-A. GRCh37 (hg19) VCF-style: chr1-65867458-G-A.
Other names: c.1912G>A, p.Gly638Arg (NM_001256865.2); c.1951G>A, p.Gly651Arg (NM_014787.4); c.2122G>A (NM_001256864.1); short protein forms G651R, G708R, G638R.
Identifiers: ClinVar variation 3084600 (VCV003084600.3), dbSNP rs1392362771, ClinGen allele CA340692663.
Genomic context (GRCh38, chr1:65,401,775, plus strand): 5'-GCCTCAAACAACTAACTCATTTTCAATGACCTTATTTCCTTTTCAGGAGGCTTTGGAATG[G>A]GAAGCAAGTCAGCTGCCACCAGCCCAACCGGATCCTCGCATGGTACTCCCACCCATCAAA-3'
Protein context (NP_001243793.1, residues 698-718): WHAKPGGFGM[Gly708Arg]SKSAATSPTG